The following is an entry in ClinVar:

ClinVar aggregate classification (germline): Pathogenic/Likely pathogenic. Review status: criteria provided, multiple submitters, no conflicts (2 of 4 stars). 3 submissions from 3 submitters: Pathogenic (2); Likely pathogenic (1). Last evaluated 2024-11-07.

Conditions:
Early-infantile DEE. Also called: Early infantile epileptic encephalopathy; Ohtahara syndrome; Early infantile epileptic encephalopathy with suppression bursts. Identifiers: Orphanet 1934, MedGen C0393706, MONDO:0800491.

Submissions (3):

GeneDx
Classification: Pathogenic. Last evaluated: 2024-11-07. Review status: criteria provided, single submitter. Criteria: GeneDx Variant Classification Process June 2021. Collection method: clinical testing. Allele origin: germline. Affected: yes.
Comment: This substitution is predicted to be within the transmembrane segment S5 of the third homologous domain; In silico analysis supports that this missense variant has a deleterious effect on protein structure/function; Not observed at significant frequency in large population cohorts (gnomAD); This variant is associated with the following publications: (PMID: 27652284)

CeGaT Center for Human Genetics Tuebingen
Classification: Pathogenic. Last evaluated: 2023-07-01. Review status: criteria provided, single submitter. Criteria: CeGaT Center For Human Genetics Tuebingen Variant Classification Criteria Version 2. Collection method: clinical testing. Allele origin: germline. Affected: yes. Observed: 1 variant allele.
Comment: SCN1A: PS2, PM1, PM2, PP3, PS4:Supporting

Labcorp Genetics (formerly Invitae), Labcorp
Classification: Likely pathogenic for Early-infantile DEE. Last evaluated: 2019-07-01. Review status: criteria provided, single submitter. Criteria: Invitae Variant Classification Sherloc (09022015). Collection method: clinical testing. Allele origin: germline.
Comment: In summary, the currently available evidence indicates that the variant is pathogenic, but additional data are needed to prove that conclusively. Therefore, this variant has been classified as Likely Pathogenic. This sequence change replaces isoleucine with threonine at codon 1347 of the SCN1A protein (p.Ile1347Thr). The isoleucine residue is highly conserved and there is a moderate physicochemical difference between isoleucine and threonine. This variant is not present in population databases (ExAC no frequency). This variant has been observed to be de novo in individuals affected with SCN1A-related epilepsy (PMID: 27652284, Invitae). Algorithms developed to predict the effect of missense changes on protein structure and function (SIFT, PolyPhen-2, Align-GVGD) all suggest that this variant is likely to be disruptive, but these predictions have not been confirmed by published functional studies and their clinical significance is uncertain.

Literature cited by the submitters: PubMed 27652284 (cited by Labcorp Genetics (formerly Invitae), Labcorp).

NM_001165963.4(SCN1A):c.4040T>C (p.Ile1347Thr)

Genes: SCN1A (sodium voltage-gated channel alpha subunit 1; minus strand), LOC102724058 (uncharacterized LOC102724058; plus strand). Cytogenetic location: 2q24.3.
Variant type: single nucleotide variant.
Coding change: c.4040T>C on transcript NM_001165963.4 (MANE Select); coding-DNA position 4040, T replaced by C.
Protein change: p.Ile1347Thr; replaces isoleucine 1347 with threonine.
Molecular consequence: missense variant. On other transcripts: non-coding transcript variant (1).
Genome position (GRCh38, 1-based): chr2:166,002,716, A>G on the plus strand (T>C on the coding strand, the complement: SCN1A is on the minus strand). VCF-style: chr2-166002716-A-G. GRCh37 (hg19) VCF-style: chr2-166859226-A-G.
Other names: c.3956T>C, p.Ile1319Thr (NM_001165964.3, NM_001353957.2, NM_001353958.2); c.4040T>C, p.Ile1347Thr (NM_001202435.3, NM_001353948.2); c.4007T>C, p.Ile1336Thr (NM_001353949.2, NM_001353950.2, NM_001353951.2 and 2 more transcripts); c.4004T>C, p.Ile1335Thr (NM_001353954.2, NM_001353955.2); c.3953T>C, p.Ile1318Thr (NM_001353960.2); c.1598T>C, p.Ile533Thr (NM_001353961.2); short protein forms I1319T, I1336T, I1347T, I1318T, I1335T, I533T.
Identifiers: ClinVar variation 851568 (VCV000851568.35), dbSNP rs1553525325, ClinGen allele CA349050735.